The following is an entry in ClinVar:

NM_032043.3(BRIP1):c.2493-14C>T

Gene: BRIP1 (BRCA1 interacting DNA helicase 1; minus strand). Cytogenetic location: 17q23.2.
Variant type: single nucleotide variant.
Coding change: c.2493-14C>T on transcript NM_032043.3 (MANE Select); 14 bases into the intron before coding-DNA position 2493, C replaced by T.
Molecular consequence: intron variant.
Genome position (GRCh38, 1-based): chr17:61,693,526, G>A on the plus strand (C>T on the coding strand, the complement: BRIP1 is on the minus strand). VCF-style: chr17-61693526-G-A. GRCh37 (hg19) VCF-style: chr17-59770887-G-A.
Identifiers: ClinVar variation 923148 (VCV000923148.12), dbSNP rs2061479652, ClinGen allele CA1139665749.

ClinVar aggregate classification (germline): Likely benign. Review status: criteria provided, multiple submitters, no conflicts (2 of 4 stars). 3 submissions from 3 submitters: Likely benign (3). Last evaluated 2024-09-05.

Conditions:
Hereditary cancer-predisposing syndrome. Also called: Hereditary Cancer Syndrome; Hereditary neoplastic syndrome; Neoplastic Syndromes, Hereditary; Tumor predisposition. Identifiers: Orphanet 140162, MedGen C0027672, MeSH D009386, MONDO:0015356.
Familial cancer of breast. Also called: hereditary breast carcinoma; BREAST CANCER, FAMILIAL; Hereditary breast cancer. Identifiers: Orphanet 227535, MedGen C0346153, MONDO:0016419, OMIM 114480. Disease mechanism: loss of function.
Fanconi anemia complementation group J. Also called: BRIP1-Related Fanconi Anemia. Identifiers: Orphanet 84, MedGen C1836860, MONDO:0012187, OMIM 609054.

Allele frequency attached by ClinVar (database versions not stated): gnomAD exomes below 0.00001.
gnomAD v4.1: 5 of 1,589,734 alleles (0.00031%); highest among the groups gnomAD compares: Non-Finnish European, 0.00043%; no homozygotes.

Submissions (3):

Myriad Genetics, Inc.
Classification: Likely benign for Familial cancer of breast. Last evaluated: 2024-09-05. Review status: criteria provided, single submitter. Criteria: Myriad Autosomal Dominant, Autosomal Recessive and X-Linked Classification Criteria (2023). Collection method: clinical testing. Allele origin: unknown.
Comment: This variant is considered likely benign. This variant is intronic and is not expected to impact mRNA splicing.

Labcorp Genetics (formerly Invitae), Labcorp
Classification: Likely benign for Familial cancer of breast; Fanconi anemia complementation group J. Last evaluated: 2023-06-05. Review status: criteria provided, single submitter. Criteria: Invitae Variant Classification Sherloc (09022015). Collection method: clinical testing. Allele origin: germline.

Color Diagnostics, LLC DBA Color Health
Classification: Likely benign for Hereditary cancer-predisposing syndrome. Last evaluated: 2019-07-26. Review status: criteria provided, single submitter. Criteria: ACMG Guidelines, 2015. Collection method: clinical testing. Allele origin: germline.